The following is an entry in ClinVar:

NM_002202.3(ISL1):c.991A>G (p.Met331Val)

Gene: ISL1 (ISL LIM homeobox 1; plus strand). Cytogenetic location: 5q11.1.
Variant type: single nucleotide variant.
Coding change: c.991A>G on transcript NM_002202.3 (MANE Select); coding-DNA position 991, A replaced by G.
Protein change: p.Met331Val; replaces methionine 331 with valine.
Molecular consequence: missense variant.
Genome position (GRCh38, 1-based): chr5:51,393,551, A>G. VCF-style: chr5-51393551-A-G. GRCh37 (hg19) VCF-style: chr5-50689385-A-G.
Other names: short protein forms M331V.
Identifiers: ClinVar variation 3286612 (VCV003286612.2).

ClinVar aggregate classification (germline): Uncertain significance. Review status: criteria provided, single submitter (1 of 4 stars). 2 submissions from 2 submitters: Uncertain significance (1). 1 of the submissions does not count toward it. Last evaluated 2024-04-06.

Conditions:
ISL1-related disorder. Also called: ISL1-related condition.

gnomAD v4.1: 18 of 1,613,904 alleles (0.0011%); highest among the groups gnomAD compares: South Asian, 0.0044%; no homozygotes.

Submissions (2):

Ambry Genetics
Classification: Uncertain significance. Last evaluated: 2024-04-06. Review status: criteria provided, single submitter. Criteria: Ambry Variant Classification Scheme 2023. Collection method: clinical testing. Allele origin: germline.

PreventionGenetics, part of Exact Sciences
Classification: Uncertain significance for ISL1-related condition. Last evaluated: 2024-03-12. Review status: no assertion criteria provided. Collection method: clinical testing. Allele origin: germline. Not counted in ClinVar's aggregate classification.
Comment: The ISL1 c.991A>G variant is predicted to result in the amino acid substitution p.Met331Val. To our knowledge, this variant has not been reported in the literature. This variant is reported in 0.0065% of alleles in individuals of South Asian descent in gnomAD. At this time, the clinical significance of this variant is uncertain due to the absence of conclusive functional and genetic evidence.